The following is an entry in ClinVar:

ClinVar aggregate classification (germline): Uncertain significance. Review status: criteria provided, multiple submitters, no conflicts (2 of 4 stars). 2 submissions from 2 submitters: Uncertain significance (2). Last evaluated 2022-11-18.

Conditions:
Hereditary spastic paraplegia 48. Also called: SPASTIC PARAPLEGIA 48, AUTOSOMAL RECESSIVE; Spastic paraplegia 48. Identifiers: Orphanet 306511, MedGen C3150901, MONDO:0013342, OMIM 613647.
Inborn genetic diseases. Identifiers: MedGen C0950123, MeSH D030342.

gnomAD v4.1: 12 of 1,607,902 alleles (0.00075%); highest among the groups gnomAD compares: South Asian, 0.0033%; no homozygotes.

Submissions (2):

Ambry Genetics
Classification: Uncertain significance for Inborn genetic diseases. Last evaluated: 2022-11-18. Review status: criteria provided, single submitter. Criteria: Ambry Variant Classification Scheme 2023. Collection method: clinical testing. Allele origin: germline.

Labcorp Genetics (formerly Invitae), Labcorp
Classification: Uncertain significance for Hereditary spastic paraplegia 48. Last evaluated: 2022-08-20. Review status: criteria provided, single submitter. Criteria: Invitae Variant Classification Sherloc (09022015). Collection method: clinical testing. Allele origin: germline.
Comment: This sequence change replaces threonine, which is neutral and polar, with methionine, which is neutral and non-polar, at codon 706 of the AP5Z1 protein (p.Thr706Met). In summary, the available evidence is currently insufficient to determine the role of this variant in disease. Therefore, it has been classified as a Variant of Uncertain Significance. Algorithms developed to predict the effect of missense changes on protein structure and function are either unavailable or do not agree on the potential impact of this missense change (SIFT: "Deleterious"; PolyPhen-2: "Probably Damaging"; Align-GVGD: "Class C0"). This variant has not been reported in the literature in individuals affected with AP5Z1-related conditions. The frequency data for this variant in the population databases is considered unreliable, as metrics indicate poor data quality at this position in the gnomAD database.

NM_014855.3(AP5Z1):c.2117C>T (p.Thr706Met)

Gene: AP5Z1 (adaptor related protein complex 5 subunit zeta 1; plus strand). Cytogenetic location: 7p22.1.
Variant type: single nucleotide variant.
Coding change: c.2117C>T on transcript NM_014855.3 (MANE Select); coding-DNA position 2117, C replaced by T.
Protein change: p.Thr706Met; replaces threonine 706 with methionine.
Molecular consequence: missense variant. On other transcripts: non-coding transcript variant (1).
Genome position (GRCh38, 1-based): chr7:4,790,851, C>T. VCF-style: chr7-4790851-C-T. GRCh37 (hg19) VCF-style: chr7-4830482-C-T.
Other names: c.1649C>T, p.Thr550Met (NM_001364858.1); short protein forms T706M, T550M.
Identifiers: ClinVar variation 2079968 (VCV002079968.5), dbSNP rs752688603, ClinGen allele CA4138308.